The following is an entry in ClinVar:

ClinVar aggregate classification (germline): Uncertain significance. Review status: criteria provided, multiple submitters, no conflicts (2 of 4 stars). 2 submissions from 2 submitters: Uncertain significance (2). Last evaluated 2025-11-24.

Conditions:
ANKRD1-related dilated cardiomyopathy. Identifiers: MedGen CN119551.

Allele frequency attached by ClinVar (database versions not stated): gnomAD exomes below 0.00001 and 0.00001; TOPMed below 0.00001; gnomAD 0.00001.

Submissions (2):

Labcorp Genetics (formerly Invitae), Labcorp
Classification: Uncertain significance for ANKRD1-related dilated cardiomyopathy. Last evaluated: 2025-11-24. Review status: criteria provided, single submitter. Criteria: Invitae Variant Classification Sherloc (09022015). Collection method: clinical testing. Allele origin: germline.
Comment: This sequence change affects an acceptor splice site in intron 6 of the ANKRD1 gene. It is expected to disrupt RNA splicing. Variants that disrupt the donor or acceptor splice site typically lead to a loss of protein function (PMID: 16199547), however the current clinical and genetic evidence is not sufficient to establish whether loss-of-function variants in ANKRD1 cause disease. This variant is present in population databases (no rsID available, gnomAD 0.02%). This variant has not been reported in the literature in individuals affected with ANKRD1-related conditions. ClinVar contains an entry for this variant (Variation ID: 451010). Algorithms developed to predict the effect of sequence changes on RNA splicing suggest that this variant may disrupt the consensus splice site. In summary, the available evidence is currently insufficient to determine the role of this variant in disease. Therefore, it has been classified as a Variant of Uncertain Significance.

GeneDx
Classification: Uncertain significance. Last evaluated: 2017-08-07. Review status: criteria provided, single submitter. Criteria: GeneDx Variant Classification (06012015). Collection method: clinical testing. Allele origin: germline. Affected: yes.
Comment: The c.652-2A>T variant in the ANKRD1 gene has not been reported previously as a pathogenic variant nor as a benign variant, to our knowledge. This splice site variant destroys the canonical splice acceptor site in intron 6. It is predicted to cause abnormal gene splicing, either leading to an abnormal message that is subject to nonsense-mediated mRNA decay, or to an abnormal protein product if the message is used for protein translation. However, loss-of-function has not been established as a mechanism of disease for the ANKRD1 gene. The c.652-2A>T variant is not observed in large population cohorts (Lek et al., 2016; 1000 Genomes Consortium et al., 2015; Exome Variant Server). We interpret c.652-2A>T as a variant of uncertain significance.

Literature cited by the submitters: PubMed 16199547 (cited by Labcorp Genetics (formerly Invitae), Labcorp).

NM_014391.3(ANKRD1):c.652-2A>T

Gene: ANKRD1 (ankyrin repeat domain 1; minus strand). Cytogenetic location: 10q23.31.
Variant type: single nucleotide variant.
Coding change: c.652-2A>T on transcript NM_014391.3 (MANE Select); the canonical splice acceptor site of the intron before coding-DNA position 652, A replaced by T.
Molecular consequence: splice acceptor variant.
Genome position (GRCh38, 1-based): chr10:90,915,882, T>A on the plus strand (A>T on the coding strand, the complement: ANKRD1 is on the minus strand). VCF-style: chr10-90915882-T-A. GRCh37 (hg19) VCF-style: chr10-92675639-T-A.
Identifiers: ClinVar variation 451010 (VCV000451010.3), dbSNP rs1363630523, ClinGen allele CA377550580.